The following is an entry in ClinVar:

ClinVar aggregate classification (germline): Uncertain significance (1 of 4 stars; one submission).

Conditions:
Cystic fibrosis (CF). Also called: MUCOVISCIDOSIS. Identifiers: Orphanet 586, MedGen C0010674, MONDO:0009061, OMIM 219700. Disease mechanism: loss of function.

gnomAD v4.1: 1 of 1,611,636 alleles (0.000062%); no homozygotes.

Submission:

Labcorp Genetics (formerly Invitae), Labcorp
Classification: Uncertain significance for Cystic fibrosis. Last evaluated: 2023-04-12. Review status: criteria provided, single submitter. Criteria: Invitae Variant Classification Sherloc (09022015). Collection method: clinical testing. Allele origin: germline.
Comment: In summary, the available evidence is currently insufficient to determine the role of this variant in disease. Therefore, it has been classified as a Variant of Uncertain Significance. Advanced modeling of protein sequence and biophysical properties (such as structural, functional, and spatial information, amino acid conservation, physicochemical variation, residue mobility, and thermodynamic stability) performed at Invitae indicates that this missense variant is expected to disrupt CFTR protein function. This variant has not been reported in the literature in individuals affected with CFTR-related conditions. This variant is not present in population databases (gnomAD no frequency). This sequence change replaces alanine, which is neutral and non-polar, with glycine, which is neutral and non-polar, at codon 280 of the CFTR protein (p.Ala280Gly).

NM_000492.4(CFTR):c.839C>G (p.Ala280Gly)

Gene: CFTR (CF transmembrane conductance regulator; plus strand). Cytogenetic location: 7q31.2.
Variant type: single nucleotide variant.
Coding change: c.839C>G on transcript NM_000492.4 (MANE Select); coding-DNA position 839, C replaced by G.
Protein change: p.Ala280Gly; replaces alanine 280 with glycine.
Molecular consequence: missense variant.
Genome position (GRCh38, 1-based): chr7:117,536,643, C>G. VCF-style: chr7-117536643-C-G. GRCh37 (hg19) VCF-style: chr7-117176697-C-G.
Other names: short protein forms A280G.
Identifiers: ClinVar variation 2886850 (VCV002886850.3), dbSNP rs2485020432, ClinGen allele CA368977525.
Genomic context (GRCh38, chr7:117,536,643, plus strand): 5'-TGATTACCTCAGAAATGATTGAAAATATCCAATCTGTTAAGGCATACTGCTGGGAAGAAG[C>G]AATGGAAAAAATGATTGAAAACTTAAGACAGTAAGTTGTTCCAATAATTTCAATATTGTT-3'
Protein context (NP_000483.3, residues 270-290): QSVKAYCWEE[Ala280Gly]MEKMIENLRQ